The following is an entry in ClinVar:

ClinVar aggregate classification (germline): Likely benign (1 of 4 stars; one submission).

Allele frequency attached by ClinVar (database versions not stated): 1000 Genomes Project 0.00319.

Submission:

CeGaT Center for Human Genetics Tuebingen
Classification: Likely benign. Last evaluated: 2022-08-01. Review status: criteria provided, single submitter. Criteria: CeGaT Center For Human Genetics Tuebingen Variant Classification Criteria Version 2. Collection method: clinical testing. Allele origin: germline. Affected: yes. Observed: 1 variant allele.
Comment: CYP2A6: BP4

NM_000762.6(CYP2A6):c.190C>T (p.Arg64Cys)

Gene: CYP2A6 (cytochrome P450 family 2 subfamily A member 6; minus strand). Cytogenetic location: 19q13.2.
Variant type: single nucleotide variant.
Coding change: c.190C>T on transcript NM_000762.6 (MANE Select); coding-DNA position 190, C replaced by T.
Protein change: p.Arg64Cys; replaces arginine 64 with cysteine.
Molecular consequence: missense variant.
Genome position (GRCh38, 1-based): chr19:40,849,971, G>A on the plus strand (C>T on the coding strand, the complement: CYP2A6 is on the minus strand). VCF-style: chr19-40849971-G-A. GRCh37 (hg19) VCF-style: chr19-41355876-G-A.
Other names: short protein forms R64C.
Identifiers: ClinVar variation 2649915 (VCV002649915.24), dbSNP rs199515342, ClinGen allele CA9453240.